The following is an entry in ClinVar:

NM_000520.6(HEXA):c.1277C>T (p.Ser426Phe)

Gene: HEXA (hexosaminidase subunit alpha; minus strand). Cytogenetic location: 15q23.
Variant type: single nucleotide variant.
Coding change: c.1277C>T on transcript NM_000520.6 (MANE Select); coding-DNA position 1277, C replaced by T.
Protein change: p.Ser426Phe; replaces serine 426 with phenylalanine.
Molecular consequence: missense variant.
Genome position (GRCh38, 1-based): chr15:72,346,580, G>A on the plus strand (C>T on the coding strand, the complement: HEXA is on the minus strand). VCF-style: chr15-72346580-G-A. GRCh37 (hg19) VCF-style: chr15-72638921-G-A.
Other names: c.1310C>T, p.Ser437Phe (NM_001318825.2); short protein forms S437F, S426F.
Identifiers: ClinVar variation 1468401 (VCV001468401.6), dbSNP rs2140320645, ClinGen allele CA393060645.

ClinVar aggregate classification (germline): Uncertain significance (1 of 4 stars; one submission).

Conditions:
Tay-Sachs disease (TSD). Also called: HEXA DEFICIENCY; GM2 gangliosidosis, type 1; Hexosaminidase alpha-subunit deficiency (variant B); Sphingolipidosis, Tay-Sachs; Hexosaminidase A Deficiency; HEXA Disorders. Identifiers: Orphanet 845, MedGen C0039373, MONDO:0010100, OMIM 272800.

Submission:

Labcorp Genetics (formerly Invitae), Labcorp
Classification: Uncertain significance for Tay-Sachs disease. Last evaluated: 2021-11-15. Review status: criteria provided, single submitter. Criteria: Invitae Variant Classification Sherloc (09022015). Collection method: clinical testing. Allele origin: germline.
Comment: This variant has not been reported in the literature in individuals affected with HEXA-related conditions. This variant is not present in population databases (gnomAD no frequency). This sequence change replaces serine, which is neutral and polar, with phenylalanine, which is neutral and non-polar, at codon 426 of the HEXA protein (p.Ser426Phe). In summary, the available evidence is currently insufficient to determine the role of this variant in disease. Therefore, it has been classified as a Variant of Uncertain Significance. Algorithms developed to predict the effect of missense changes on protein structure and function are either unavailable or do not agree on the potential impact of this missense change (SIFT: "Deleterious"; PolyPhen-2: "Possibly Damaging"; Align-GVGD: "Class C0").